The following is an entry in ClinVar:

ClinVar aggregate classification (germline): Uncertain significance. Review status: criteria provided, multiple submitters, no conflicts (2 of 4 stars). 2 submissions from 2 submitters: Uncertain significance (2). Last evaluated 2021-11-13.

Conditions:
Joubert syndrome 14 (JBTS14). Identifiers: MedGen C3280766, MONDO:0013745, OMIM 614424.
Inborn genetic diseases. Identifiers: MedGen C0950123, MeSH D030342.

Allele frequency attached by ClinVar (database versions not stated): gnomAD exomes 0.00001; TOPMed 0.00002; gnomAD 0.00003 and 0.00004; ESP Exome Variant Server 0.00008.
gnomAD v4.1: 7 of 1,563,856 alleles (0.00045%); highest among the groups gnomAD compares: African/African-American, 0.0097%; no homozygotes.

Submissions (2):

Labcorp Genetics (formerly Invitae), Labcorp
Classification: Uncertain significance for Joubert syndrome 14. Last evaluated: 2021-11-13. Review status: criteria provided, single submitter. Criteria: Invitae Variant Classification Sherloc (09022015). Collection method: clinical testing. Allele origin: germline.
Comment: This sequence change replaces glycine, which is neutral and non-polar, with valine, which is neutral and non-polar, at codon 229 of the TMEM237 protein (p.Gly229Val). The frequency data for this variant in the population databases is considered unreliable, as metrics indicate poor data quality at this position in the gnomAD database. This variant has not been reported in the literature in individuals affected with TMEM237-related conditions. Algorithms developed to predict the effect of missense changes on protein structure and function (SIFT, PolyPhen-2, Align-GVGD) all suggest that this variant is likely to be disruptive. In summary, the available evidence is currently insufficient to determine the role of this variant in disease. Therefore, it has been classified as a Variant of Uncertain Significance.

Ambry Genetics
Classification: Uncertain significance for Inborn genetic diseases. Last evaluated: 2021-10-12. Review status: criteria provided, single submitter. Criteria: Ambry Variant Classification Scheme 2023. Collection method: clinical testing. Allele origin: germline.

NM_001044385.3(TMEM237):c.686G>T (p.Gly229Val)

Gene: TMEM237 (transmembrane protein 237; minus strand). Cytogenetic location: 2q33.1.
Variant type: single nucleotide variant.
Coding change: c.686G>T on transcript NM_001044385.3 (MANE Select); coding-DNA position 686, G replaced by T.
Protein change: p.Gly229Val; replaces glycine 229 with valine.
Molecular consequence: missense variant.
Genome position (GRCh38, 1-based): chr2:201,629,413, C>A on the plus strand (G>T on the coding strand, the complement: TMEM237 is on the minus strand). VCF-style: chr2-201629413-C-A. GRCh37 (hg19) VCF-style: chr2-202494136-C-A.
Other names: c.662G>T, p.Gly221Val (NM_152388.4); c.686G>T (NM_001044385.1); short protein forms G229V, G221V.
Identifiers: ClinVar variation 1407090 (VCV001407090.7), dbSNP rs374399278, ClinGen allele CA63953684.